The following is an entry in ClinVar:

ClinVar aggregate classification (germline): Uncertain significance (1 of 4 stars; one submission).

Conditions:
Immunodeficiency, common variable, 2 (CVID2). Also called: ANTIBODY DEFICIENCY DUE TO TACI DEFECT; HYPOGAMMAGLOBULINEMIA DUE TO TACI DEFICIENCY. Identifiers: Orphanet 1572, MedGen C3150354, MONDO:0009413, OMIM 240500.

Allele frequency attached by ClinVar (database versions not stated): ExAC 0.00001.
gnomAD v4.1: 1 of 1,613,066 alleles (0.000062%); highest among the groups gnomAD compares: Admixed American, 0.0017%; no homozygotes.

Submission:

Labcorp Genetics (formerly Invitae), Labcorp
Classification: Uncertain significance for Immunodeficiency, common variable, 2. Last evaluated: 2023-05-28. Review status: criteria provided, single submitter. Criteria: Invitae Variant Classification Sherloc (09022015). Collection method: clinical testing. Allele origin: germline.
Comment: This sequence change replaces glycine, which is neutral and non-polar, with valine, which is neutral and non-polar, at codon 290 of the TNFRSF13B protein (p.Gly290Val). In summary, the available evidence is currently insufficient to determine the role of this variant in disease. Therefore, it has been classified as a Variant of Uncertain Significance. Advanced modeling of protein sequence and biophysical properties (such as structural, functional, and spatial information, amino acid conservation, physicochemical variation, residue mobility, and thermodynamic stability) has been performed at Invitae for this missense variant, however the output from this modeling did not meet the statistical confidence thresholds required to predict the impact of this variant on TNFRSF13B protein function. This variant is present in population databases (rs778108471, gnomAD 0.003%). This variant has not been reported in the literature in individuals affected with TNFRSF13B-related conditions.

NM_012452.3(TNFRSF13B):c.869G>T (p.Gly290Val)

Gene: TNFRSF13B (TNF receptor superfamily member 13B; minus strand). Cytogenetic location: 17p11.2.
Variant type: single nucleotide variant.
Coding change: c.869G>T on transcript NM_012452.3 (MANE Select); coding-DNA position 869, G replaced by T.
Protein change: p.Gly290Val; replaces glycine 290 with valine.
Molecular consequence: missense variant.
Genome position (GRCh38, 1-based): chr17:16,939,560, C>A on the plus strand (G>T on the coding strand, the complement: TNFRSF13B is on the minus strand). VCF-style: chr17-16939560-C-A. GRCh37 (hg19) VCF-style: chr17-16842874-C-A.
Other names: short protein forms G290V.
Identifiers: ClinVar variation 2745207 (VCV002745207.3), dbSNP rs778108471, ClinGen allele CA8413833.